The following is an entry in ClinVar:

NM_001283009.2(RTEL1):c.2579C>T (p.Ser860Phe)

Genes: RTEL1 (regulator of telomere elongation helicase 1; plus strand), RTEL1-TNFRSF6B (RTEL1-TNFRSF6B readthrough (NMD candidate); plus strand). Cytogenetic location: 20q13.33.
Variant type: single nucleotide variant.
Coding change: c.2579C>T on transcript NM_001283009.2 (MANE Select); coding-DNA position 2579, C replaced by T.
Protein change: p.Ser860Phe; replaces serine 860 with phenylalanine.
Molecular consequence: missense variant. On other transcripts: non-coding transcript variant (1).
Genome position (GRCh38, 1-based): chr20:63,691,764, C>T. VCF-style: chr20-63691764-C-T. GRCh37 (hg19) VCF-style: chr20-62323117-C-T.
Other names: c.1910C>T, p.Ser637Phe (NM_001283010.1); c.2579C>T, p.Ser860Phe (NM_016434.4); c.2651C>T, p.Ser884Phe (NM_032957.5); short protein forms S637F, S860F, S884F.
Identifiers: ClinVar variation 1028484 (VCV001028484.11), dbSNP rs772872062, ClinGen allele CA9965419.
Genomic context (GRCh38, chr20:63,691,764, plus strand): 5'-TGGGGTCTGTGTGTGGTTGTGAGCTGTGTCCTCCTCAGGCCCACAGCTGCTCCACCCTGT[C>T]CCTCCTGTCTGAGAAGAGGCCGGCAGAAGAACCGCGAGGAGGGAGGAAGAAGATCCGGCT-3'
Protein context (NP_001269938.1, residues 850-870): EEQAHSCSTL[Ser860Phe]LLSEKRPAEE

ClinVar aggregate classification (germline): Uncertain significance. Review status: criteria provided, multiple submitters, no conflicts (2 of 4 stars). 4 submissions from 4 submitters: Uncertain significance (4). Last evaluated 2026-02-01.

Conditions:
Dyskeratosis congenita, autosomal recessive 5 (DKCB5). Identifiers: MedGen C3554656, MONDO:0014076, OMIM 615190.
Pulmonary fibrosis and/or bone marrow failure, Telomere-related, 3. Also called: PULMONARY FIBROSIS AND/OR BONE MARROW FAILURE SYNDROME, TELOMERE-RELATED, 3. Identifiers: Orphanet 2032, MedGen C4225346, MONDO:0014613, OMIM 616373.

Allele frequency attached by ClinVar (database versions not stated): gnomAD exomes 0.00003 and 0.00002; gnomAD 0.00004 and 0.00003; TOPMed 0.00003; ExAC 0.00003.
gnomAD v4.1: 34 of 1,612,352 alleles (0.0021%); highest among the groups gnomAD compares: Admixed American, 0.012%; no homozygotes.

Submissions (4):

Labcorp Genetics (formerly Invitae), Labcorp
Classification: Uncertain significance for Dyskeratosis congenita, autosomal recessive 5; Pulmonary fibrosis and/or bone marrow failure, Telomere-related, 3. Last evaluated: 2026-02-01. Review status: criteria provided, single submitter. Criteria: Invitae Variant Classification Sherloc (09022015). Collection method: clinical testing. Allele origin: germline.
Comment: This sequence change replaces serine, which is neutral and polar, with phenylalanine, which is neutral and non-polar, at codon 860 of the RTEL1 protein (p.Ser860Phe). This variant is present in population databases (rs772872062, gnomAD 0.01%). This variant has not been reported in the literature in individuals affected with RTEL1-related conditions. ClinVar contains an entry for this variant (Variation ID: 1028484). An algorithm developed to predict the effect of missense changes on protein structure and function (PolyPhen-2) suggests that this variant is likely to be disruptive. In summary, the available evidence is currently insufficient to determine the role of this variant in disease. Therefore, it has been classified as a Variant of Uncertain Significance.

Genomic Medicine Center of Excellence, King Faisal Specialist Hospital and Research Centre
Classification: Uncertain significance for Dyskeratosis congenita, autosomal recessive 5. Last evaluated: 2024-03-25. Review status: criteria provided, single submitter. Criteria: ACMG Guidelines, 2015. Collection method: research. Allele origin: germline.

Fulgent Genetics
Classification: Uncertain significance for Dyskeratosis congenita, autosomal recessive 5; Pulmonary fibrosis and/or bone marrow failure, Telomere-related, 3. Last evaluated: 2021-09-08. Review status: criteria provided, single submitter. Criteria: ACMG Guidelines, 2015. Collection method: clinical testing. Allele origin: unknown.

Baylor Genetics
Classification: Uncertain significance for Dyskeratosis congenita, autosomal recessive 5. Last evaluated: 2019-12-02. Review status: criteria provided, single submitter. Criteria: ACMG Guidelines, 2015. Collection method: clinical testing. Allele origin: unknown. Affected: yes.
Comment: This variant was determined to be of uncertain significance according to ACMG Guidelines, 2015 [PMID:25741868].